The following is an entry in ClinVar:

NM_001378969.1(KCND3):c.1384G>A (p.Glu462Lys)

Gene: KCND3 (potassium voltage-gated channel subfamily D member 3; minus strand). Cytogenetic location: 1p13.2.
Variant type: single nucleotide variant.
Coding change: c.1384G>A on transcript NM_001378969.1 (MANE Select); coding-DNA position 1384, G replaced by A.
Protein change: p.Glu462Lys; replaces glutamic acid 462 with lysine.
Molecular consequence: missense variant.
Genome position (GRCh38, 1-based): chr1:111,780,302, C>T on the plus strand (G>A on the coding strand, the complement: KCND3 is on the minus strand). VCF-style: chr1-111780302-C-T. GRCh37 (hg19) VCF-style: chr1-112322924-C-T.
Other names: c.1384G>A, p.Glu462Lys (NM_001378970.1, NM_004980.5, NM_172198.3); short protein forms E462K.
Identifiers: ClinVar variation 1976705 (VCV001976705.5), dbSNP rs1331818876, ClinGen allele CA341658796.

ClinVar aggregate classification (germline): Uncertain significance (1 of 4 stars; one submission).

Conditions:
Spinocerebellar ataxia type 19/22 (SCA19). Also called: SPINOCEREBELLAR ATAXIA 22; SPINOCEREBELLAR ATAXIA 19. Identifiers: Orphanet 98772, MedGen C1846367, MONDO:0011819, OMIM 607346.

Allele frequency attached by ClinVar (database versions not stated): gnomAD exomes below 0.00001; gnomAD 0.00001.
gnomAD v4.1: 2 of 1,571,950 alleles (0.00013%); highest among the groups gnomAD compares: East Asian, 0.0023%; no homozygotes.

Submission:

Labcorp Genetics (formerly Invitae), Labcorp
Classification: Uncertain significance for Spinocerebellar ataxia type 19/22. Last evaluated: 2022-06-09. Review status: criteria provided, single submitter. Criteria: Invitae Variant Classification Sherloc (09022015). Collection method: clinical testing. Allele origin: germline.
Comment: In summary, the available evidence is currently insufficient to determine the role of this variant in disease. Therefore, it has been classified as a Variant of Uncertain Significance. This sequence change replaces glutamic acid, which is acidic and polar, with lysine, which is basic and polar, at codon 462 of the KCND3 protein (p.Glu462Lys). This variant is present in population databases (no rsID available, gnomAD 0.06%). This variant has not been reported in the literature in individuals affected with KCND3-related conditions. Algorithms developed to predict the effect of missense changes on protein structure and function (SIFT, PolyPhen-2, Align-GVGD) all suggest that this variant is likely to be tolerated.